The following is an entry in ClinVar:

ClinVar aggregate classification (germline): Pathogenic (1 of 4 stars; one submission).

Conditions:
Retinoblastoma (RB1). Also called: RETINOBLASTOMA, SOMATIC. Identifiers: Orphanet 790, MedGen C0035335, MeSH D012175, MONDO:0008380, OMIM 180200, HP:0009919. Disease mechanism: loss of function. Inheritance: Both sporadic and heritable forms are tested..

Submission:

Baylor Genetics
Classification: Pathogenic for Retinoblastoma. Last evaluated: 2019-01-28. Review status: criteria provided, single submitter. Criteria: ACMG Guidelines, 2015. Collection method: clinical testing. Allele origin: unknown. Affected: yes. Study: CSER-TexasKidsCanSeq.
Comment: This variant was determined to be pathogenic according to ACMG Guidelines, 2015 [PMID:25741868]. This variant has been previously reported as disease-causing [PMID 17096365, 25525159]

Literature cited by the submitters: PubMed 17096365; PubMed 25525159.

NM_000321.3(RB1):c.1960+1G>A

Gene: RB1 (RB transcriptional corepressor 1; plus strand). Cytogenetic location: 13q14.2.
Variant type: single nucleotide variant.
Coding change: c.1960+1G>A on transcript NM_000321.3 (MANE Select); the canonical splice donor site of the intron after coding-DNA position 1960, G replaced by A.
Molecular consequence: splice donor variant.
Genome position (GRCh38, 1-based): chr13:48,456,350, G>A. VCF-style: chr13-48456350-G-A. GRCh37 (hg19) VCF-style: chr13-49030486-G-A.
Other names: c.1960+1G>A (NM_001407165.1).
Identifiers: ClinVar variation 997573 (VCV000997573.2), dbSNP rs1949360306, ClinGen allele CA388166319.
Genomic context (GRCh38, chr13:48,456,350, plus strand): 5'-CAGCCTTCCAGACCCAGAAGCCATTGAAATCTACCTCTCTTTCACTGTTTTATAAAAAAG[G>A]TTAGTAGATGATTATTTTCAAGAGCATGGACTCTGAAACTAGGCTGACTGGGTTCAAATC-3'